The following is an entry in ClinVar:

ClinVar aggregate classification (germline): Benign. Review status: criteria provided, multiple submitters, no conflicts (2 of 4 stars). 2 submissions from 2 submitters: Benign (2). Last evaluated 2018-06-16.

Allele frequency attached by ClinVar (database versions not stated): gnomAD exomes 0.00696; gnomAD 0.05922 and 0.06365; 1000 Genomes Project 0.06370; TOPMed 0.06704; 1000 Genomes Project 30x 0.06793.
gnomAD v4.1: 13,038 of 694,572 alleles (1.9%); highest among the groups gnomAD compares: African/African-American, 20%; 1,229 homozygotes.

Submissions (2):

GeneDx
Classification: Benign. Last evaluated: 2018-06-16. Review status: criteria provided, single submitter. Criteria: GeneDx Variant Classification (06012015). Collection method: clinical testing. Allele origin: germline. Affected: yes.
Comment: This variant is considered likely benign or benign based on one or more of the following criteria: it is a conservative change, it occurs at a poorly conserved position in the protein, it is predicted to be benign by multiple in silico algorithms, and/or has population frequency not consistent with disease.

Breakthrough Genomics
Classification: Benign. Review status: criteria provided, single submitter. Criteria: ACMG Guidelines, 2015. Collection method: not provided. Allele origin: germline. Inheritance: Autosomal recessive inheritance. Affected: yes.

NM_002291.3(LAMB1):c.4538-129A>T

Gene: LAMB1 (laminin subunit beta 1; minus strand). Cytogenetic location: 7q31.1.
Variant type: single nucleotide variant.
Coding change: c.4538-129A>T on transcript NM_002291.3 (MANE Select); 129 bases into the intron before coding-DNA position 4538, A replaced by T.
Molecular consequence: intron variant.
Genome position (GRCh38, 1-based): chr7:107,929,748, T>A on the plus strand (A>T on the coding strand, the complement: LAMB1 is on the minus strand). VCF-style: chr7-107929748-T-A. GRCh37 (hg19) VCF-style: chr7-107570193-T-A.
Identifiers: ClinVar variation 683001 (VCV000683001.2), dbSNP rs17154628, ClinGen allele CA164267713.